The following is an entry in ClinVar:

ClinVar aggregate classification (germline): Uncertain significance (1 of 4 stars; one submission).

gnomAD v4.1: 30 of 1,613,724 alleles (0.0019%); highest among the groups gnomAD compares: South Asian, 0.0066%; no homozygotes.

Submission:

Labcorp Genetics (formerly Invitae), Labcorp
Classification: Uncertain significance. Last evaluated: 2024-04-07. Review status: criteria provided, single submitter. Criteria: Invitae Variant Classification Sherloc (09022015). Collection method: clinical testing. Allele origin: germline.
Comment: This sequence change replaces arginine, which is basic and polar, with histidine, which is basic and polar, at codon 83 of the CEP97 protein (p.Arg83His). This variant is present in population databases (rs765011864, gnomAD 0.01%). This variant has not been reported in the literature in individuals affected with CEP97-related conditions. Advanced modeling of protein sequence and biophysical properties (such as structural, functional, and spatial information, amino acid conservation, physicochemical variation, residue mobility, and thermodynamic stability) performed at Invitae indicates that this missense variant is not expected to disrupt CEP97 protein function with a negative predictive value of 80%. In summary, the available evidence is currently insufficient to determine the role of this variant in disease. Therefore, it has been classified as a Variant of Uncertain Significance.

NM_024548.4(CEP97):c.248G>A (p.Arg83His)

Gene: CEP97 (centrosomal protein 97; plus strand). Cytogenetic location: 3q12.3.
Variant type: single nucleotide variant.
Coding change: c.248G>A on transcript NM_024548.4 (MANE Select); coding-DNA position 248, G replaced by A.
Protein change: p.Arg83His; replaces arginine 83 with histidine.
Molecular consequence: missense variant.
Genome position (GRCh38, 1-based): chr3:101,727,444, G>A. VCF-style: chr3-101727444-G-A. GRCh37 (hg19) VCF-style: chr3-101446288-G-A.
Other names: c.248G>A, p.Arg83His (NM_001303401.2, NM_001410784.1, NM_001410785.1); short protein forms R83H.
Identifiers: ClinVar variation 3717473 (VCV003717473.2).